The following is an entry in ClinVar:

ClinVar aggregate classification (germline): Pathogenic (1 of 4 stars; one submission).

Conditions:
Inborn genetic diseases. Identifiers: MedGen C0950123, MeSH D030342.

Submission:

Ambry Genetics
Classification: Pathogenic for Inborn genetic diseases. Last evaluated: 2025-05-22. Review status: criteria provided, single submitter. Criteria: Ambry Variant Classification Scheme 2023. Collection method: clinical testing. Allele origin: germline.
Comment: The c.1684_1694del11 (p.F562Rfs*4) alteration, located in exon 14 (coding exon 13) of the FOXP2 gene, consists of a deletion of 11 nucleotides from position 1684 to 1694, causing a translational frameshift with a predicted alternate stop codon after 4 amino acids. This alteration is expected to result in loss of function by premature protein truncation or nonsense-mediated mRNA decay. This variant was not reported in population-based cohorts in the Genome Aggregation Database (gnomAD). Based on the available evidence, this alteration is classified as pathogenic.

NM_014491.4(FOXP2):c.1684_1694del (p.Phe562fs)

Gene: FOXP2 (forkhead box P2; plus strand). Cytogenetic location: 7q31.1.
Variant type: Deletion.
Coding change: c.1684_1694del on transcript NM_014491.4 (MANE Select); coding-DNA positions 1684 to 1694, 11 bases deleted (TTTGTTCGAGT).
Protein change: p.Phe562fs; shifts the reading frame from phenylalanine 562.
Molecular consequence: frameshift variant. On other transcripts: non-coding transcript variant (2).
Genome position (GRCh38, 1-based): chr7:114,662,101-114,662,111, TTTGTTCGAGT deleted; deleting any 11 consecutive bases within chr7:114,662,099-114,662,111 gives the same sequence; the c. name uses the placement nearest the transcript's 3' end. VCF-style (leftmost placement, unchanged base first): chr7-114662098-TGTTTTGTTCGA-T. GRCh37 (hg19) VCF-style: chr7-114302153-TGTTTTGTTCGA-T.
Other names: c.1681_1691del, p.Phe561fs (NM_001172766.3); c.1759_1769del, p.Phe587fs (NM_148898.4); c.1735_1745del, p.Phe579fs (NM_148900.4); short protein forms F579fs, F561fs, F587fs, F562fs.
Identifiers: ClinVar variation 4026463 (VCV004026463.1).
Genomic context (GRCh38, chr7:114,662,098, plus strand): 5'-TTTTTTCTTCTCTTCTGTCTGCTTTAGAATGCAGTACGTCATAATCTTAGCCTGCACAAG[TGTTTTGTTCGA>T]GTAGAAAATGTTAAAGGAGCAGTATGGACTGTGGATGAAGTAGAATACCAGAAGCGAAGG-3'